The following is an entry in ClinVar:

NM_058216.3(RAD51C):c.898G>T (p.Ala300Ser)

Gene: RAD51C (RAD51 paralog C; plus strand). Cytogenetic location: 17q22.
Variant type: single nucleotide variant.
Coding change: c.898G>T on transcript NM_058216.3 (MANE Select); coding-DNA position 898, G replaced by T.
Protein change: p.Ala300Ser; replaces alanine 300 with serine.
Molecular consequence: missense variant. On other transcripts: non-coding transcript variant (1).
Genome position (GRCh38, 1-based): chr17:58,720,806, G>T. VCF-style: chr17-58720806-G-T. GRCh37 (hg19) VCF-style: chr17-56798167-G-T.
Other names: c.898G>T (NM_058216.1); short protein forms A300S.
Identifiers: ClinVar variation 1009005 (VCV001009005.10), dbSNP rs2048893581, ClinGen allele CA400359798.

ClinVar aggregate classification (germline): Uncertain significance. Review status: criteria provided, multiple submitters, no conflicts (2 of 4 stars). 2 submissions from 2 submitters: Uncertain significance (2). Last evaluated 2024-05-09.

Conditions:
Hereditary cancer-predisposing syndrome. Also called: Hereditary neoplastic syndrome; Neoplastic Syndromes, Hereditary; Tumor predisposition; Hereditary Cancer Syndrome. Identifiers: Orphanet 140162, MedGen C0027672, MeSH D009386, MONDO:0015356.
Fanconi anemia complementation group O. Also called: RAD51C-Related Fanconi Anemia. Identifiers: Orphanet 84, MedGen C3150653, MONDO:0013248, OMIM 613390.

Submissions (2):

Ambry Genetics
Classification: Uncertain significance for Hereditary cancer-predisposing syndrome. Last evaluated: 2024-05-09. Review status: criteria provided, single submitter. Criteria: Ambry Variant Classification Scheme 2023. Collection method: clinical testing. Allele origin: germline.
Comment: The p.A300S variant (also known as c.898G>T), located in coding exon 6 of the RAD51C gene, results from a G to T substitution at nucleotide position 898. The alanine at codon 300 is replaced by serine, an amino acid with similar properties. This amino acid position is conserved. In addition, this alteration is predicted to be tolerated by in silico analysis. Based on the available evidence, the clinical significance of this variant remains unclear.

Labcorp Genetics (formerly Invitae), Labcorp
Classification: Uncertain significance for Fanconi anemia complementation group O. Last evaluated: 2020-06-17. Review status: criteria provided, single submitter. Criteria: Invitae Variant Classification Sherloc (09022015). Collection method: clinical testing. Allele origin: germline.
Comment: In summary, the available evidence is currently insufficient to determine the role of this variant in disease. Therefore, it has been classified as a Variant of Uncertain Significance. Algorithms developed to predict the effect of missense changes on protein structure and function are either unavailable or do not agree on the potential impact of this missense change (SIFT: "Tolerated"; PolyPhen-2: "Possibly Damaging"; Align-GVGD: "Class C0"). This variant has not been reported in the literature in individuals with RAD51C-related conditions. This variant is not present in population databases (ExAC no frequency). This sequence change replaces alanine with serine at codon 300 of the RAD51C protein (p.Ala300Ser). The alanine residue is highly conserved and there is a moderate physicochemical difference between alanine and serine.